The following is an entry in ClinVar:

ClinVar aggregate classification (germline): Uncertain significance. Review status: criteria provided, multiple submitters, no conflicts (2 of 4 stars). 5 submissions from 5 submitters: Uncertain significance (4). 1 of the submissions does not count toward it. Last evaluated 2025-05-07.

Conditions:
Hereditary cancer-predisposing syndrome. Also called: Hereditary Cancer Syndrome; Hereditary neoplastic syndrome; Neoplastic Syndromes, Hereditary; Tumor predisposition. Identifiers: Orphanet 140162, MedGen C0027672, MeSH D009386, MONDO:0015356.
Bloom syndrome (BLM). Also called: Bloom-Torre-Machacek syndrome. Identifiers: Orphanet 125, MedGen C0005859, MONDO:0008876, OMIM 210900.

Allele frequency attached by ClinVar (database versions not stated): ExAC 0.00001; gnomAD exomes 0.00001; gnomAD 0.00003 and 0.00004; TOPMed 0.00005.
gnomAD v4.1: 20 of 1,613,954 alleles (0.0012%); highest among the groups gnomAD compares: Admixed American, 0.0067%; no homozygotes.

Submissions (5):

Ambry Genetics
Classification: Uncertain significance for Hereditary cancer-predisposing syndrome. Last evaluated: 2025-05-07. Review status: criteria provided, single submitter. Criteria: Ambry Variant Classification Scheme 2023. Collection method: clinical testing. Allele origin: germline.

GeneDx
Classification: Uncertain significance. Last evaluated: 2024-04-02. Review status: criteria provided, single submitter. Criteria: GeneDx Variant Classification Process June 2021. Collection method: clinical testing. Allele origin: germline. Affected: yes.
Comment: Not observed at significant frequency in large population cohorts (gnomAD); In silico analysis supports that this missense variant does not alter protein structure/function; Has not been previously published as pathogenic or benign to our knowledge

Labcorp Genetics (formerly Invitae), Labcorp
Classification: Uncertain significance for Bloom syndrome. Last evaluated: 2024-01-19. Review status: criteria provided, single submitter. Criteria: Invitae Variant Classification Sherloc (09022015). Collection method: clinical testing. Allele origin: germline.
Comment: This sequence change replaces arginine, which is basic and polar, with glutamine, which is neutral and polar, at codon 899 of the BLM protein (p.Arg899Gln). This variant is present in population databases (rs748054605, gnomAD 0.007%). This variant has not been reported in the literature in individuals affected with BLM-related conditions. ClinVar contains an entry for this variant (Variation ID: 454115). Advanced modeling of protein sequence and biophysical properties (such as structural, functional, and spatial information, amino acid conservation, physicochemical variation, residue mobility, and thermodynamic stability) performed at Invitae indicates that this missense variant is not expected to disrupt BLM protein function with a negative predictive value of 80%. In summary, the available evidence is currently insufficient to determine the role of this variant in disease. Therefore, it has been classified as a Variant of Uncertain Significance.

Women's Health and Genetics/Laboratory Corporation of America, LabCorp
Classification: Uncertain significance. Last evaluated: 2022-08-28. Review status: criteria provided, single submitter. Criteria: LabCorp Variant Classification Summary - May 2015. Collection method: clinical testing. Allele origin: germline.

Natera, Inc.
Classification: Uncertain significance for Bloom syndrome. Last evaluated: 2018-07-05. Review status: no assertion criteria provided. Collection method: clinical testing. Allele origin: germline. Not counted in ClinVar's aggregate classification.

NM_000057.4(BLM):c.2696G>A (p.Arg899Gln)

Gene: BLM (BLM RecQ like helicase; plus strand). Cytogenetic location: 15q26.1.
Variant type: single nucleotide variant.
Coding change: c.2696G>A on transcript NM_000057.4 (MANE Select); coding-DNA position 2696, G replaced by A.
Protein change: p.Arg899Gln; replaces arginine 899 with glutamine.
Molecular consequence: missense variant.
Genome position (GRCh38, 1-based): chr15:90,784,954, G>A. VCF-style: chr15-90784954-G-A. GRCh37 (hg19) VCF-style: chr15-91328184-G-A.
Other names: c.2696G>A, p.Arg899Gln (NM_001287246.2, NM_001287247.2); c.1571G>A, p.Arg524Gln (NM_001287248.2); short protein forms R899Q, R524Q.
Identifiers: ClinVar variation 454115 (VCV000454115.19), dbSNP rs748054605, ClinGen allele CA7738859.